The following is an entry in ClinVar:

ClinVar aggregate classification (germline): Uncertain significance (1 of 4 stars; one submission).

Conditions:
SALL4-Related Disorders. Also called: SALL4-related disorder; SALL4-related condition. Identifiers: MedGen CN381056.

Submission:

PreventionGenetics, part of Exact Sciences
Classification: Uncertain significance for SALL4-related condition. Last evaluated: 2026-05-20. Review status: criteria provided, single submitter. Criteria: ACMG Guidelines, 2015. Collection method: clinical testing. Allele origin: germline.
Comment: The SALL4 c.1853C>A variant is predicted to result in the amino acid substitution p.Thr618Asn. To our knowledge, this variant has not been reported in the literature or in a large population database (gnomAD), indicating this variant is rare. At this time, the clinical significance of this variant is uncertain due to the absence of conclusive functional and genetic evidence.

NM_020436.5(SALL4):c.1853C>A (p.Thr618Asn)

Gene: SALL4 (spalt like transcription factor 4; minus strand). Cytogenetic location: 20q13.2.
Variant type: single nucleotide variant.
Coding change: c.1853C>A on transcript NM_020436.5 (MANE Select); coding-DNA position 1853, C replaced by A.
Protein change: p.Thr618Asn; replaces threonine 618 with asparagine.
Molecular consequence: missense variant. On other transcripts: intron variant (1).
Genome position (GRCh38, 1-based): chr20:51,790,630, G>T on the plus strand (C>A on the coding strand, the complement: SALL4 is on the minus strand). VCF-style: chr20-51790630-G-T. GRCh37 (hg19) VCF-style: chr20-50407169-G-T.
Other names: c.1150+703C>A (NM_001318031.2); short protein forms T618N.
Identifiers: ClinVar variation 4996396 (VCV004996396.1).